The following is an entry in ClinVar:

ClinVar aggregate classification (germline): Uncertain significance (1 of 4 stars; one submission).

gnomAD v4.1: 12 of 506,282 alleles (0.0024%); highest among the groups gnomAD compares: South Asian, 0.0076%; no homozygotes.

Submission:

Women's Health and Genetics/Laboratory Corporation of America, LabCorp
Classification: Uncertain significance. Last evaluated: 2024-09-04. Review status: criteria provided, single submitter. Criteria: LabCorp Variant Classification Summary - May 2015. Collection method: clinical testing. Allele origin: germline.
Comment: Variant summary: VMA21 c.-290G>A is located in the untranscribed region upstream of the VMA21 gene region. The variant was detected at a frequency of 4.5e-05 in 110157 control chromosomes, including 3 hemizygotes. The available data on variant occurrences in the general population are insufficient to allow any conclusion about variant significance. To our knowledge, no occurrence of c.-290G>A in individuals affected with X-Linked Myopathy With Excessive Autophagy and no experimental evidence demonstrating its impact on protein function have been reported. No submitters have cited clinical-significance assessments for this variant to ClinVar. Based on the evidence outlined above, the variant was classified as uncertain significance.

NM_001017980.4(VMA21):c.-290G>A

Gene: VMA21 (vacuolar ATPase assembly factor VMA21; plus strand). Cytogenetic location: Xq28.
Variant type: single nucleotide variant.
Coding change: c.-290G>A on transcript NM_001017980.4 (MANE Select); 290 bases upstream of the start codon, G replaced by A.
Molecular consequence: genic upstream transcript variant. On other transcripts: synonymous variant (1).
Genome position (GRCh38, 1-based): chrX:151,397,019, G>A. VCF-style: chrX-151397019-G-A. GRCh37 (hg19) VCF-style: chrX-150565491-G-A.
Other names: c.180G>A, p.Arg60= (NM_001363810.1).
Identifiers: ClinVar variation 3375073 (VCV003375073.1).